The following is an entry in ClinVar:

NM_003998.4(NFKB1):c.799G>A (p.Glu267Lys)

Gene: NFKB1 (nuclear factor kappa B subunit 1; plus strand). Cytogenetic location: 4q24.
Variant type: single nucleotide variant.
Coding change: c.799G>A on transcript NM_003998.4 (MANE Select); coding-DNA position 799, G replaced by A.
Protein change: p.Glu267Lys; replaces glutamic acid 267 with lysine.
Molecular consequence: missense variant.
Genome position (GRCh38, 1-based): chr4:102,580,603, G>A. VCF-style: chr4-102580603-G-A. GRCh37 (hg19) VCF-style: chr4-103501760-G-A.
Other names: c.796G>A, p.Glu266Lys (NM_001165412.2, NM_001319226.2, NM_001382627.1); c.799G>A, p.Glu267Lys (NM_001382625.1, NM_001382626.1); c.757G>A, p.Glu253Lys (NM_001382628.1); short protein forms E253K, E266K, E267K.
Identifiers: ClinVar variation 2820567 (VCV002820567.3), dbSNP rs2476425579, ClinGen allele CA357960097.

ClinVar aggregate classification (germline): Uncertain significance (1 of 4 stars; one submission).

Submission:

Labcorp Genetics (formerly Invitae), Labcorp
Classification: Uncertain significance. Last evaluated: 2024-02-22. Review status: criteria provided, single submitter. Criteria: Invitae Variant Classification Sherloc (09022015). Collection method: clinical testing. Allele origin: germline.
Comment: This sequence change replaces glutamic acid, which is acidic and polar, with lysine, which is basic and polar, at codon 267 of the NFKB1 protein (p.Glu267Lys). This variant is not present in population databases (gnomAD no frequency). This variant has not been reported in the literature in individuals affected with NFKB1-related conditions. Advanced modeling of protein sequence and biophysical properties (such as structural, functional, and spatial information, amino acid conservation, physicochemical variation, residue mobility, and thermodynamic stability) performed at Invitae indicates that this missense variant is expected to disrupt NFKB1 protein function with a positive predictive value of 80%. In summary, the available evidence is currently insufficient to determine the role of this variant in disease. Therefore, it has been classified as a Variant of Uncertain Significance.